The following is an entry in ClinVar:

ClinVar aggregate classification (germline): Uncertain significance (1 of 4 stars; one submission).

Submission:

GeneDx
Classification: Uncertain significance. Last evaluated: 2025-06-20. Review status: criteria provided, single submitter. Criteria: GeneDx Variant Classification Process June 2021. Collection method: clinical testing. Allele origin: germline. Affected: yes.
Comment: Not observed at significant frequency in large population cohorts (gnomAD); Alters the last nucleotide of the exon and is predicted to damage the splice donor site but the effect on protein function is unclear; Has not been previously published as pathogenic or benign to our knowledge

NM_015335.5(MED13L):c.4114G>A (p.Gly1372Ser)

Gene: MED13L (mediator complex subunit 13L; minus strand). Cytogenetic location: 12q24.21.
Variant type: single nucleotide variant.
Coding change: c.4114G>A on transcript NM_015335.5 (MANE Select); coding-DNA position 4114, G replaced by A.
Protein change: p.Gly1372Ser; replaces glycine 1372 with serine.
Molecular consequence: missense variant.
Genome position (GRCh38, 1-based): chr12:115,987,109, C>T on the plus strand (G>A on the coding strand, the complement: MED13L is on the minus strand). VCF-style: chr12-115987109-C-T. GRCh37 (hg19) VCF-style: chr12-116424914-C-T.
Other names: short protein forms G1372S.
Identifiers: ClinVar variation 4538986 (VCV004538986.1).